The following is an entry in ClinVar:

NM_000530.8(MPZ):c.91G>C (p.Val31Leu)

Gene: MPZ (myelin protein zero; minus strand). Cytogenetic location: 1q23.3.
Variant type: single nucleotide variant.
Coding change: c.91G>C on transcript NM_000530.8 (MANE Select); coding-DNA position 91, G replaced by C.
Protein change: p.Val31Leu; replaces valine 31 with leucine.
Molecular consequence: missense variant.
Genome position (GRCh38, 1-based): chr1:161,307,401, C>G on the plus strand (G>C on the coding strand, the complement: MPZ is on the minus strand). VCF-style: chr1-161307401-C-G. GRCh37 (hg19) VCF-style: chr1-161277191-C-G.
Other names: c.91G>C, p.Val31Leu (NM_001315491.2); short protein forms V31L.
Identifiers: ClinVar variation 3614842 (VCV003614842.2).

ClinVar aggregate classification (germline): Uncertain significance (1 of 4 stars; one submission).

Conditions:
Charcot-Marie-Tooth disease, type I (CMT1). Also called: Charcot-Marie-Tooth disease type 1; Charcot-Marie-Tooth, Type 1. Identifiers: Orphanet 65753, MedGen C0751036, MONDO:0019011.

Submission:

Labcorp Genetics (formerly Invitae), Labcorp
Classification: Uncertain significance for Charcot-Marie-Tooth disease, type I. Last evaluated: 2024-07-24. Review status: criteria provided, single submitter. Criteria: Invitae Variant Classification Sherloc (09022015). Collection method: clinical testing. Allele origin: germline.
Comment: This sequence change replaces valine, which is neutral and non-polar, with leucine, which is neutral and non-polar, at codon 31 of the MPZ protein (p.Val31Leu). This variant is not present in population databases (gnomAD no frequency). This missense change has been observed in individuals with Charcot-Marie-Tooth disease (PMID: 33179255). Advanced modeling of protein sequence and biophysical properties (such as structural, functional, and spatial information, amino acid conservation, physicochemical variation, residue mobility, and thermodynamic stability) performed at Invitae indicates that this missense variant is not expected to disrupt MPZ protein function with a negative predictive value of 80%. In summary, the available evidence is currently insufficient to determine the role of this variant in disease. Therefore, it has been classified as a Variant of Uncertain Significance.

Literature cited by the submitters: PubMed 33179255.